The following is an entry in ClinVar:

NM_000719.7(CACNA1C):c.3559-17C>T

Gene: CACNA1C (calcium voltage-gated channel subunit alpha1 C; plus strand). Cytogenetic location: 12p13.33.
Variant type: single nucleotide variant.
Coding change: c.3559-17C>T on transcript NM_000719.7 (MANE Select); 17 bases into the intron before coding-DNA position 3559, C replaced by T.
Molecular consequence: intron variant.
Genome position (GRCh38, 1-based): chr12:2,610,524, C>T. VCF-style: chr12-2610524-C-T. GRCh37 (hg19) VCF-style: chr12-2719690-C-T.
Other names: c.3559-17C>T (NM_001167624.3, NM_001167623.2, NM_001167625.2 and 15 more transcripts); c.3619-17C>T (NM_199460.4, NM_001129827.2, NM_001129832.2); c.3550-17C>T (NM_001129844.2).
Identifiers: ClinVar variation 668534 (VCV000668534.4), dbSNP rs897046930, ClinGen allele CA231611634.

ClinVar aggregate classification (germline): Likely benign. Review status: criteria provided, multiple submitters, no conflicts (2 of 4 stars). 2 submissions from 2 submitters: Likely benign (2). Last evaluated 2024-10-18.

Conditions:
Long QT syndrome (LQTS). Identifiers: MedGen C0023976, MeSH D008133, MONDO:0002442. Disease mechanism: loss of function. Inheritance: Various modes of inheritance.

Allele frequency attached by ClinVar (database versions not stated): gnomAD exomes below 0.00001; TOPMed below 0.00001.
gnomAD v4.1: 1 of 1,606,854 alleles (0.000062%); highest among the groups gnomAD compares: Non-Finnish European, 0.000085%; no homozygotes.

Submissions (2):

Labcorp Genetics (formerly Invitae), Labcorp
Classification: Likely benign for Long QT syndrome. Last evaluated: 2024-10-18. Review status: criteria provided, single submitter. Criteria: Invitae Variant Classification Sherloc (09022015). Collection method: clinical testing. Allele origin: germline.

GeneDx
Classification: Likely benign. Last evaluated: 2018-05-21. Review status: criteria provided, single submitter. Criteria: GeneDx Variant Classification (06012015). Collection method: clinical testing. Allele origin: germline. Affected: yes.
Comment: This variant is considered likely benign or benign based on one or more of the following criteria: it is a conservative change, it occurs at a poorly conserved position in the protein, it is predicted to be benign by multiple in silico algorithms, and/or has population frequency not consistent with disease.